The following is an entry in ClinVar:

NM_003640.5(ELP1):c.2729C>A (p.Ser910Ter)

Gene: ELP1 (elongator acetyltransferase complex subunit 1; minus strand). Cytogenetic location: 9q31.3.
Variant type: single nucleotide variant.
Coding change: c.2729C>A on transcript NM_003640.5 (MANE Select); coding-DNA position 2729, C replaced by A.
Protein change: p.Ser910Ter; replaces serine 910 with a stop codon.
Molecular consequence: nonsense.
Genome position (GRCh38, 1-based): chr9:108,896,503, G>T on the plus strand (C>A on the coding strand, the complement: ELP1 is on the minus strand). VCF-style: chr9-108896503-G-T. GRCh37 (hg19) VCF-style: chr9-111658783-G-T.
Other names: c.2387C>A, p.Ser796Ter (NM_001318360.2); c.1682C>A, p.Ser561Ter (NM_001330749.2); short protein forms S796*, S561*, S910*.
Identifiers: ClinVar variation 2707272 (VCV002707272.3), dbSNP rs1828552155, ClinGen allele CA374419744.
Genomic context (GRCh38, chr9:108,896,503, plus strand): 5'-CTATCATTATATAAACAAGAACCAAATGGCATAAAAGTAAGAACTCCACATACCTTCTGT[G>T]ACTTCTCAGCTACCATGAGGACCAAATCAAAGTCATAGGTGCCAAGAGAATGATCATATA-3'

ClinVar aggregate classification (germline): Pathogenic (1 of 4 stars; one submission).

Allele frequency attached by ClinVar (database versions not stated): gnomAD exomes below 0.00001.
gnomAD v4.1: 2 of 1,614,068 alleles (0.00012%); highest among the groups gnomAD compares: South Asian, 0.0011%; no homozygotes.

Submission:

Labcorp Genetics (formerly Invitae), Labcorp
Classification: Pathogenic. Last evaluated: 2024-01-04. Review status: criteria provided, single submitter. Criteria: Invitae Variant Classification Sherloc (09022015). Collection method: clinical testing. Allele origin: germline.
Comment: This sequence change creates a premature translational stop signal (p.Ser910*) in the ELP1 gene. It is expected to result in an absent or disrupted protein product. Loss-of-function variants in ELP1 are known to be pathogenic (PMID: 18303054, 24173031). This variant is not present in population databases (gnomAD no frequency). This variant has not been reported in the literature in individuals affected with ELP1-related conditions. For these reasons, this variant has been classified as Pathogenic.

Literature cited by the submitters: PubMed 18303054; PubMed 24173031.